The following is an entry in ClinVar:

ClinVar aggregate classification (germline): Uncertain significance. Review status: criteria provided, multiple submitters, no conflicts (2 of 4 stars). 2 submissions from 2 submitters: Uncertain significance (2). Last evaluated 2026-02-19.

Conditions:
Renal cell carcinoma. Identifiers: Orphanet 217071, MedGen C0007134, MeSH D002292, MONDO:0005086, HP:0005584.
Hereditary cancer-predisposing syndrome. Also called: Tumor predisposition; Hereditary Cancer Syndrome; Neoplastic Syndromes, Hereditary; Hereditary neoplastic syndrome. Identifiers: Orphanet 140162, MedGen C0027672, MeSH D009386, MONDO:0015356.

Submissions (2):

Ambry Genetics
Classification: Uncertain significance for Hereditary cancer-predisposing syndrome. Last evaluated: 2026-02-19. Review status: criteria provided, single submitter. Criteria: Ambry Variant Classification Scheme 2023. Collection method: clinical testing. Allele origin: germline.
Comment: The c.2265-2A>G intronic variant results from an A to G substitution two nucleotides upstream from coding exon 9 in the MET gene. This nucleotide position is well conserved in available vertebrate species. In silico splice site analysis predicts that this alteration will not have any significant effect on splicing. Variants that disrupt the canonical splice site are expected to cause aberrant splicing, resulting in an abnormal protein or a transcript that is subject to nonsense-mediated mRNA decay. However, loss of function has not been established as a mechanism of disease. Based on the available evidence, the clinical significance of this variant remains unclear.

Labcorp Genetics (formerly Invitae), Labcorp
Classification: Uncertain significance for Renal cell carcinoma. Last evaluated: 2025-11-05. Review status: criteria provided, single submitter. Criteria: Invitae Variant Classification Sherloc (09022015). Collection method: clinical testing. Allele origin: germline.
Comment: This sequence change affects an acceptor splice site in intron 9 of the MET gene. It is expected to disrupt RNA splicing. Variants that disrupt the donor or acceptor splice site typically lead to a loss of protein function (PMID: 16199547), however the current clinical and genetic evidence is not sufficient to establish whether loss-of-function variants in MET cause disease. This variant is not present in population databases (gnomAD no frequency). This variant has not been reported in the literature in individuals affected with MET-related conditions. ClinVar contains an entry for this variant (Variation ID: 485787). In summary, the available evidence is currently insufficient to determine the role of this variant in disease. Therefore, it has been classified as a Variant of Uncertain Significance.

Literature cited by the submitters: PubMed 16199547 (cited by Labcorp Genetics (formerly Invitae), Labcorp).

NM_000245.4(MET):c.2265-56A>G

Gene: MET (MET proto-oncogene, receptor tyrosine kinase; plus strand). Cytogenetic location: 7q31.2.
Variant type: single nucleotide variant.
Coding change: c.2265-56A>G on transcript NM_000245.4 (MANE Select); 56 bases into the intron before coding-DNA position 2265, A replaced by G.
Molecular consequence: intron variant. On other transcripts: splice acceptor variant (1).
Genome position (GRCh38, 1-based): chr7:116,759,335, A>G. VCF-style: chr7-116759335-A-G. GRCh37 (hg19) VCF-style: chr7-116399389-A-G.
Other names: c.2265-2A>G (NM_001127500.3); c.975-56A>G (NM_001324402.2); c.2265-56A>G (NM_001324401.3).
Identifiers: ClinVar variation 485787 (VCV000485787.8), dbSNP rs1554395861, ClinGen allele CA368981457.